The following is an entry in ClinVar:

NM_005199.5(CHRNG):c.1210C>T (p.Gln404Ter)

Genes: TIGD1 (tigger transposable element derived 1; minus strand), CHRNG (cholinergic receptor nicotinic gamma subunit; plus strand). Cytogenetic location: 2q37.1.
Variant type: single nucleotide variant.
Coding change: c.1210C>T on transcript NM_005199.5 (MANE Select); coding-DNA position 1210, C replaced by T.
Protein change: p.Gln404Ter; replaces glutamine 404 with a stop codon.
Molecular consequence: nonsense.
Genome position (GRCh38, 1-based): chr2:232,544,541, C>T. VCF-style: chr2-232544541-C-T. GRCh37 (hg19) VCF-style: chr2-233409251-C-T.
Other names: short protein forms Q404*.
Identifiers: ClinVar variation 487641 (VCV000487641.1), dbSNP rs1553578312, ClinGen allele CA351016040.
Genomic context (GRCh38, chr2:232,544,541, plus strand): 5'-ACAACTGGGGAGGAGGTGGCCCTCTGCCTGCCTCGCAGTGAACTCCTCTTCCAGCAGTGG[C>T]AGCGGCAAGGGCTGGTGGCGGCAGCGCTGGAGAAGCTAGGTGAGACACACCAGGTGTGCC-3'

ClinVar aggregate classification (germline): Pathogenic (1 of 4 stars; one submission).

Conditions:
Lethal multiple pterygium syndrome (LMPS). Identifiers: Orphanet 33108, MedGen C1854678, MONDO:0009668, OMIM 253290.

Submission:

Institute of Human Genetics, Cologne University
Classification: Pathogenic for Lethal multiple pterygium syndrome. Last evaluated: 2017-12-20. Review status: criteria provided, single submitter. Criteria: ACMG Guidelines, 2015. Collection method: clinical testing. Allele origin: inherited. Inheritance: Autosomal recessive inheritance. Affected: yes. Observed: 1 variant allele, 1 homozygote.
Comment: ACMG Criteria: PVS1, PM2, PP3